The following is an entry in ClinVar:

ClinVar aggregate classification (germline): Likely benign (1 of 4 stars; one submission).

Allele frequency attached by ClinVar (database versions not stated): 1000 Genomes Project 30x 0.00016; 1000 Genomes Project 0.00020; ESP Exome Variant Server 0.00092; gnomAD 0.00113; gnomAD exomes 0.00119; ExAC 0.00135.
gnomAD v4.1: 1,915 of 1,606,790 alleles (0.12%); highest among the groups gnomAD compares: Admixed American, 0.16%; 3 homozygotes.

Submission:

CeGaT Center for Human Genetics Tuebingen
Classification: Likely benign. Last evaluated: 2022-06-01. Review status: criteria provided, single submitter. Criteria: CeGaT Center For Human Genetics Tuebingen Variant Classification Criteria Version 2. Collection method: clinical testing. Allele origin: germline. Affected: yes. Observed: 1 variant allele.
Comment: CEP70: BP4, BS2

NM_024491.4(CEP70):c.1084C>G (p.Pro362Ala)

Gene: CEP70 (centrosomal protein 70; minus strand). Cytogenetic location: 3q22.3.
Variant type: single nucleotide variant.
Coding change: c.1084C>G on transcript NM_024491.4 (MANE Select); coding-DNA position 1084, C replaced by G.
Protein change: p.Pro362Ala; replaces proline 362 with alanine.
Molecular consequence: missense variant.
Genome position (GRCh38, 1-based): chr3:138,505,432, G>C on the plus strand (C>G on the coding strand, the complement: CEP70 is on the minus strand). VCF-style: chr3-138505432-G-C. GRCh37 (hg19) VCF-style: chr3-138224274-G-C.
Other names: c.1030C>G, p.Pro344Ala (NM_001288964.2); c.1024C>G, p.Pro342Ala (NM_001288965.2); c.1084C>G, p.Pro362Ala (NM_001288966.2, NM_001320598.2, NM_001320599.2); c.628C>G, p.Pro210Ala (NM_001288967.2); short protein forms P210A, P342A, P344A, P362A.
Identifiers: ClinVar variation 2654192 (VCV002654192.24), dbSNP rs61996332, ClinGen allele CA2638294.